The following is an entry in ClinVar:

NM_000059.4(BRCA2):c.9256+6870G>A

Gene: BRCA2 (BRCA2 DNA repair associated; plus strand). Cytogenetic location: 13q13.1.
Variant type: single nucleotide variant.
Coding change: c.9256+6870G>A on transcript NM_000059.4 (MANE Select); 6870 bases into the intron after coding-DNA position 9256, G replaced by A.
Molecular consequence: intron variant.
Genome position (GRCh38, 1-based): chr13:32,387,015, G>A. VCF-style: chr13-32387015-G-A. GRCh37 (hg19) VCF-style: chr13-32961152-G-A.
Identifiers: ClinVar variation 264909 (VCV000264909.1), dbSNP rs570977721, ClinGen allele CA10588164.

ClinVar aggregate classification (germline): Benign (3 of 4 stars; one submission).

Conditions:
Breast-ovarian cancer, familial, susceptibility to, 2 (BROVCA2). Also called: BRCA2 Hereditary Breast and Ovarian Cancer. Identifiers: Orphanet 145, MedGen C2675520, MONDO:0012933, OMIM 612555. Disease mechanism: loss of function.

Allele frequency attached by ClinVar (database versions not stated): gnomAD 0.00067; TOPMed 0.00087; 1000 Genomes Project 30x 0.00640; 1000 Genomes Project 0.00699.
gnomAD v4.1: 274 of 146,808 alleles (0.19%); highest among the groups gnomAD compares: South Asian, 3.9%; 3 homozygotes.

Submission:

Evidence-based Network for the Interpretation of Germline Mutant Alleles (ENIGMA)
Classification: Benign for Breast-ovarian cancer, familial, susceptibility to, 2. Last evaluated: 2016-09-28. Review status: reviewed by expert panel. Criteria: ENIGMA BRCA1/2 Classification Criteria (2015). Collection method: curation. Allele origin: germline.
Comment: Class 1 not pathogenic based on frequency >1% in an outbred sampleset. Frequency 0.0348 (South Asian), derived from 1000 genomes (2013-05-02).